The following is an entry in ClinVar:

ClinVar aggregate classification (germline): Uncertain significance. Review status: criteria provided, multiple submitters, no conflicts (2 of 4 stars). 3 submissions from 3 submitters: Uncertain significance (3). Last evaluated 2025-12-09.

Conditions:
Progressive sclerosing poliodystrophy (MTDPS4A). Also called: ALPERS DIFFUSE DEGENERATION OF CEREBRAL GRAY MATTER WITH HEPATIC CIRRHOSIS; Alpers-Huttenlocher Syndrome; ALPERS PROGRESSIVE INFANTILE POLIODYSTROPHY; NEURONAL DEGENERATION OF CHILDHOOD WITH LIVER DISEASE, PROGRESSIVE; Mitochondrial DNA Depletion Syndrome 4A; Alpers-Huttenlocher Syndrome (AHS). Identifiers: Orphanet 726, MedGen C0205710, MONDO:0008758, OMIM 203700.

Allele frequency attached by ClinVar (database versions not stated): gnomAD exomes 0.00001 and below 0.00001; ExAC 0.00001.
gnomAD v4.1: 3 of 1,569,682 alleles (0.00019%); highest among the groups gnomAD compares: Non-Finnish European, 0.00017%; no homozygotes.

Submissions (3):

Women's Health and Genetics/Laboratory Corporation of America, LabCorp
Classification: Uncertain significance. Last evaluated: 2025-12-09. Review status: criteria provided, single submitter. Criteria: LabCorp Variant Classification Summary - May 2015. Collection method: clinical testing. Allele origin: germline.
Comment: Variant summary: POLG c.565A>G (p.Ile189Val) results in a conservative amino acid change in the encoded protein sequence. Algorithms developed to predict the effect of missense changes on protein structure and function all suggest that this variant is likely to be tolerated. The variant allele was found at a frequency of 9.4e-06 in 213478 control chromosomes. The available data on variant occurrences in the general population are insufficient to allow any conclusion about variant significance. To our knowledge, no occurrence of c.565A>G in individuals affected with POLG-related conditions and no experimental evidence demonstrating its impact on protein function have been reported. ClinVar contains an entry for this variant (Variation ID: 206623). Based on the evidence outlined above, the variant was classified as uncertain significance.

Labcorp Genetics (formerly Invitae), Labcorp
Classification: Uncertain significance for Progressive sclerosing poliodystrophy. Last evaluated: 2022-08-23. Review status: criteria provided, single submitter. Criteria: Invitae Variant Classification Sherloc (09022015). Collection method: clinical testing. Allele origin: germline.
Comment: This sequence change replaces isoleucine, which is neutral and non-polar, with valine, which is neutral and non-polar, at codon 189 of the POLG protein (p.Ile189Val). This variant is present in population databases (rs769547245, gnomAD 0.002%). This variant has not been reported in the literature in individuals affected with POLG-related conditions. ClinVar contains an entry for this variant (Variation ID: 206623). Algorithms developed to predict the effect of missense changes on protein structure and function output the following: SIFT: "Tolerated"; PolyPhen-2: "Benign"; Align-GVGD: "Class C0". The valine amino acid residue is found in multiple mammalian species, which suggests that this missense change does not adversely affect protein function. In summary, the available evidence is currently insufficient to determine the role of this variant in disease. Therefore, it has been classified as a Variant of Uncertain Significance.

GeneDx
Classification: Uncertain significance. Last evaluated: 2014-12-29. Review status: criteria provided, single submitter. Criteria: GeneDx Variant Classification (06012015). Collection method: clinical testing. Allele origin: germline. Affected: yes.
Comment: p.Ile189Val (ATC>GTC): c.565 A>G in exon 2 of the POLG gene (NM_002693.2). The I189V variant has not been published as a mutation, nor has it been reported as a benign polymorphism to our knowledge. It was not observed in approximately 6,500 individuals of European and African American ancestry in the NHLBI Exome Sequencing Project, indicating it is not a common benign variant in these populations. The I189V variant is a conservative amino acid substitution, which is not likely to impact secondary protein structure as these residues share similar properties. In silico analysis predicts this variant likely does not alter the protein structure/function. This substitution occurs at a position that is conserved through mammals, however Valine is observed at this position in one other species. Therefore, based on the currently available information, it is unclear whether this variant is a pathogenic mutation or a rare benign variant. The variant is found in EPILEPSYV2-1 panel(s).

NM_002693.3(POLG):c.565A>G (p.Ile189Val)

Genes: POLG (DNA polymerase gamma, catalytic subunit; minus strand), POLGARF (POLG alternative reading frame; minus strand). Cytogenetic location: 15q26.1.
Variant type: single nucleotide variant.
Coding change: c.565A>G on transcript NM_002693.3 (MANE Select); coding-DNA position 565, A replaced by G.
Protein change: p.Ile189Val; replaces isoleucine 189 with valine.
Molecular consequence: missense variant.
Genome position (GRCh38, 1-based): chr15:89,333,190, T>C on the plus strand (A>G on the coding strand, the complement: POLG is on the minus strand). VCF-style: chr15-89333190-T-C. GRCh37 (hg19) VCF-style: chr15-89876421-T-C.
Other names: p.I189V:ATC>GTC; c.565A>G, p.Ile189Val (NM_001126131.2); short protein forms I189V.
Identifiers: ClinVar variation 206623 (VCV000206623.5), dbSNP rs769547245, ClinGen allele CA316885.